The following is an entry in ClinVar:

NM_001349338.3(FOXP1):c.165GCA[6] (p.Gln60_Ala61insGlnGln)

Gene: FOXP1 (forkhead box P1; minus strand). Cytogenetic location: 3p13.
Variant type: Microsatellite.
Coding change: c.165GCA[6] on transcript NM_001349338.3 (MANE Select); six copies in a row of the 3-base unit GCA starting at c.165; the reference has four copies in a row; two copies, 6 bases duplicated.
Protein change: p.Gln60_Ala61insGlnGln.
Molecular consequence: inframe insertion. On other transcripts: non-coding transcript variant (2).
Genome position (GRCh38, 1-based): chr3:71,198,206-71,198,211, TGCTGC duplicated on the plus strand (GCAGCA on the coding strand, the reverse complement: FOXP1 is on the minus strand); duplicating any 6 consecutive bases within chr3:71,198,206-71,198,219 gives the same sequence; the position shown is the placement nearest the transcript's 3' end. VCF-style (leftmost placement, unchanged base first): chr3-71198205-T-TTGCTGC. GRCh37 (hg19) VCF-style: chr3-71247356-T-TTGCTGC.
Other names: c.165GCA[6], p.Gln60_Trp61insGlnGln (NM_001012505.2); c.165GCA[6], p.Gln60_Ala61insGlnGln (NM_001244808.3, NM_001244810.2, NM_001244812.3 and 5 more transcripts).
Identifiers: ClinVar variation 4721429 (VCV004721429.1).

ClinVar aggregate classification (germline): Uncertain significance (1 of 4 stars; one submission).

Submission:

Labcorp Genetics (formerly Invitae), Labcorp
Classification: Uncertain significance. Last evaluated: 2025-06-15. Review status: criteria provided, single submitter. Criteria: Invitae Variant Classification Sherloc (09022015). Collection method: clinical testing. Allele origin: germline.
Comment: This variant, c.171_176dup, results in the insertion of 2 amino acid(s) of the FOXP1 protein (p.Gln59_Gln60dup), but otherwise preserves the integrity of the reading frame. This variant is not present in population databases (gnomAD no frequency). This variant has not been reported in the literature in individuals affected with FOXP1-related conditions. In summary, the available evidence is currently insufficient to determine the role of this variant in disease. Therefore, it has been classified as a Variant of Uncertain Significance.